The following is an entry in ClinVar:

NM_015057.5(MYCBP2):c.3749C>G (p.Ser1250Ter)

Gene: MYCBP2 (MYC binding protein 2; minus strand). Cytogenetic location: 13q22.3.
Variant type: single nucleotide variant.
Coding change: c.3749C>G on transcript NM_015057.5 (MANE Select); coding-DNA position 3749, C replaced by G.
Protein change: p.Ser1250Ter; replaces serine 1250 with a stop codon.
Molecular consequence: nonsense.
Genome position (GRCh38, 1-based): chr13:77,205,350, G>C on the plus strand (C>G on the coding strand, the complement: MYCBP2 is on the minus strand). VCF-style: chr13-77205350-G-C. GRCh37 (hg19) VCF-style: chr13-77779485-G-C.
Other names: short protein forms S1250*.
Identifiers: ClinVar variation 3400480 (VCV003400480.1).

ClinVar aggregate classification (germline): Uncertain significance (1 of 4 stars; one submission).

Conditions:
Inborn genetic diseases. Identifiers: MedGen C0950123, MeSH D030342.

Submission:

Ambry Genetics
Classification: Uncertain significance for Inborn genetic diseases. Last evaluated: 2024-07-02. Review status: criteria provided, single submitter. Criteria: Ambry Variant Classification Scheme 2023. Collection method: clinical testing. Allele origin: germline.
Comment: The c.3749C>G (p.S1250*) alteration, located in exon 26 (coding exon 26) of the MYCBP2 gene, consists of a C to G substitution at nucleotide position 3749. This changes the amino acid from a serine (S) to a stop codon at amino acid position 1250. This alteration is expected to result in premature protein truncation or nonsense-mediated mRNA decay. However, loss of function of MYCBP2 has not been established as a mechanism of disease. This variant was not reported in population-based cohorts in the Genome Aggregation Database (gnomAD). Based on insufficient or conflicting evidence, the clinical significance of this alteration remains unclear.